The following is an entry in ClinVar:

ClinVar aggregate classification (germline): Uncertain significance. Review status: criteria provided, multiple submitters, no conflicts (2 of 4 stars). 2 submissions from 2 submitters: Uncertain significance (2). Last evaluated 2025-05-07.

Submissions (2):

GeneDx
Classification: Uncertain significance. Last evaluated: 2025-05-07. Review status: criteria provided, single submitter. Criteria: GeneDx Variant Classification Process June 2021. Collection method: clinical testing. Allele origin: germline. Affected: yes.
Comment: Not observed at significant frequency in large population cohorts (gnomAD); In silico analysis suggests that this missense variant does not alter protein structure/function; Has not been previously published as pathogenic or benign to our knowledge; This variant is associated with the following publications: (PMID: 18184292)

Athena Diagnostics
Classification: Uncertain significance. Last evaluated: 2024-06-14. Review status: criteria provided, single submitter. Criteria: Athena Diagnostics Criteria. Collection method: clinical testing. Allele origin: unknown.
Comment: Available data are insufficient to determine the clinical significance of the variant at this time. This variant has not been reported in large, multi-ethnic general populations. Polyphen and MutationTaster predict this amino acid change may be damaging to the protein. At least one other missense variant at this codon is considered to be pathogenic or likely pathogenic, suggesting this variant may also cause disease.

NM_000702.4(ATP1A2):c.1816G>T (p.Ala606Ser)

Gene: ATP1A2 (ATPase Na+/K+ transporting subunit alpha 2; plus strand). Cytogenetic location: 1q23.2.
Variant type: single nucleotide variant.
Coding change: c.1816G>T on transcript NM_000702.4 (MANE Select); coding-DNA position 1816, G replaced by T.
Protein change: p.Ala606Ser; replaces alanine 606 with serine.
Molecular consequence: missense variant.
Genome position (GRCh38, 1-based): chr1:160,130,586, G>T. VCF-style: chr1-160130586-G-T. GRCh37 (hg19) VCF-style: chr1-160100376-G-T.
Other names: short protein forms A606S.
Identifiers: ClinVar variation 3571706 (VCV003571706.2).